The following is an entry in ClinVar:

ClinVar aggregate classification (germline): Uncertain significance. Review status: criteria provided, multiple submitters, no conflicts (2 of 4 stars). 4 submissions from 4 submitters: Uncertain significance (4). Last evaluated 2025-12-26.

Conditions:
Familial thoracic aortic aneurysm and aortic dissection (TAAD). Also called: Thoracic aortic aneurysms and dissections. Identifiers: Orphanet 91387, MedGen C4707243, MONDO:0019625.
Aortic aneurysm, familial thoracic 7 (AAT7). Also called: AORTIC DISSECTION, FAMILIAL, WITH OR WITHOUT AORTIC ANEURYSM. Identifiers: MedGen C3151077, MONDO:0013418, OMIM 613780.

Allele frequency attached by ClinVar (database versions not stated): gnomAD exomes 0.00001 and 0.00002; gnomAD 0.00005 and 0.00006; TOPMed 0.00008.
gnomAD v4.1: 39 of 1,614,066 alleles (0.0024%); highest among the groups gnomAD compares: African/African-American, 0.012%; no homozygotes.

Submissions (4):

Ambry Genetics
Classification: Uncertain significance for Familial thoracic aortic aneurysm and aortic dissection. Last evaluated: 2025-12-26. Review status: criteria provided, single submitter. Criteria: Ambry Variant Classification Scheme 2023. Collection method: clinical testing. Allele origin: germline.
Comment: The p.A1300V variant (also known as c.3899C>T), located in coding exon 20 of the MYLK gene, results from a C to T substitution at nucleotide position 3899. The alanine at codon 1300 is replaced by valine, an amino acid with similar properties. This amino acid position is not well conserved in available vertebrate species. In addition, this alteration is predicted to be tolerated by in silico analysis. Based on the available evidence, the clinical significance of this variant remains unclear.

Labcorp Genetics (formerly Invitae), Labcorp
Classification: Uncertain significance for Aortic aneurysm, familial thoracic 7. Last evaluated: 2024-12-22. Review status: criteria provided, single submitter. Criteria: Invitae Variant Classification Sherloc (09022015). Collection method: clinical testing. Allele origin: germline.
Comment: This sequence change replaces alanine, which is neutral and non-polar, with valine, which is neutral and non-polar, at codon 1300 of the MYLK protein (p.Ala1300Val). This variant is present in population databases (rs201265306, gnomAD 0.008%). This variant has not been reported in the literature in individuals affected with MYLK-related conditions. ClinVar contains an entry for this variant (Variation ID: 409690). Invitae Evidence Modeling of protein sequence and biophysical properties (such as structural, functional, and spatial information, amino acid conservation, physicochemical variation, residue mobility, and thermodynamic stability) indicates that this missense variant is not expected to disrupt MYLK protein function with a negative predictive value of 80%. In summary, the available evidence is currently insufficient to determine the role of this variant in disease. Therefore, it has been classified as a Variant of Uncertain Significance.

Blueprint Genetics
Classification: Uncertain significance. Last evaluated: 2020-07-27. Review status: criteria provided, single submitter. Criteria: ACMG Guidelines, 2015. Collection method: clinical testing. Allele origin: germline.

Fulgent Genetics
Classification: Uncertain significance for Aortic aneurysm, familial thoracic 7. Last evaluated: 2018-10-31. Review status: criteria provided, single submitter. Criteria: ACMG Guidelines, 2015. Collection method: clinical testing. Allele origin: unknown.

NM_053025.4(MYLK):c.3899C>T (p.Ala1300Val)

Gene: MYLK (myosin light chain kinase; minus strand). Cytogenetic location: 3q21.1.
Variant type: single nucleotide variant.
Coding change: c.3899C>T on transcript NM_053025.4 (MANE Select); coding-DNA position 3899, C replaced by T.
Protein change: p.Ala1300Val; replaces alanine 1300 with valine.
Molecular consequence: missense variant.
Genome position (GRCh38, 1-based): chr3:123,664,191, G>A on the plus strand (C>T on the coding strand, the complement: MYLK is on the minus strand). VCF-style: chr3-123664191-G-A. GRCh37 (hg19) VCF-style: chr3-123383038-G-A.
Other names: c.3371C>T, p.Ala1124Val (NM_001321309.2); c.3692C>T, p.Ala1231Val (NM_053026.4, NM_053028.4); c.3899C>T, p.Ala1300Val (NM_053027.4); short protein forms A1300V, A1124V, A1231V.
Identifiers: ClinVar variation 409690 (VCV000409690.11), dbSNP rs201265306, ClinGen allele CA16611106.